The following is an entry in ClinVar:

ClinVar aggregate classification (germline): Uncertain significance (0 of 4 stars; one submission).

Conditions:
GNAS-related disorder. Identifiers: MedGen CN380105.

gnomAD v4.1: 15 of 1,611,396 alleles (0.00093%); highest among the groups gnomAD compares: Admixed American, 0.0067%; no homozygotes.

Submission:

PreventionGenetics, part of Exact Sciences
Classification: Uncertain significance for GNAS-related condition. Last evaluated: 2024-06-13. Review status: no assertion criteria provided. Collection method: clinical testing. Allele origin: germline.
Comment: The GNAS c.41G>T variant is predicted to result in the amino acid substitution p.Arg14Leu. Of note, in the more commonly reported transcript (NM_000516.5) this variant is pre-coding (c.-51580G>T). To our knowledge, this variant has not been reported in the literature or in a large population database, indicating this variant is rare. At this time, the clinical significance of this variant is uncertain due to the absence of conclusive functional and genetic evidence.

NM_016592.5(GNAS):c.41G>T (p.Arg14Leu)

Genes: GNAS (GNAS complex locus; plus strand), GNAS-AS1 (GNAS antisense RNA 1; minus strand). Cytogenetic location: 20q13.32.
Variant type: single nucleotide variant.
Coding change: c.41G>T on transcript NM_016592.5 (MANE Plus Clinical); coding-DNA position 41, G replaced by T.
Protein change: p.Arg14Leu; replaces arginine 14 with leucine.
Molecular consequence: missense variant. On other transcripts: 5 prime UTR variant (1).
Genome position (GRCh38, 1-based): chr20:58,840,147, G>T. VCF-style: chr20-58840147-G-T. GRCh37 (hg19) VCF-style: chr20-57415202-G-T.
Other names: c.-697G>T (NM_001410912.1); short protein forms R14L.
Identifiers: ClinVar variation 3351166 (VCV003351166.1).